The following is an entry in ClinVar:

NM_001164508.2(NEB):c.23233G>T (p.Ala7745Ser)

Genes: NEB (nebulin; minus strand), RIF1 (replication timing regulatory factor 1; plus strand). Cytogenetic location: 2q23.3.
Variant type: single nucleotide variant.
Coding change: c.23233G>T on transcript NM_001164508.2 (MANE Select); coding-DNA position 23233, G replaced by T.
Protein change: p.Ala7745Ser; replaces alanine 7745 with serine.
Molecular consequence: missense variant.
Genome position (GRCh38, 1-based): chr2:151,513,588, C>A on the plus strand (G>T on the coding strand, the complement: NEB is on the minus strand). VCF-style: chr2-151513588-C-A. GRCh37 (hg19) VCF-style: chr2-152370102-C-A.
Other names: c.23233G>T, p.Ala7745Ser (NM_001164507.2); c.23338G>T, p.Ala7780Ser (NM_001271208.2); c.18130G>T, p.Ala6044Ser (NM_004543.5); short protein forms A7745S, A6044S, A7780S.
Identifiers: ClinVar variation 845801 (VCV000845801.9), dbSNP rs1179461829, ClinGen allele CA348750949.
Genomic context (GRCh38, chr2:151,513,588, plus strand): 5'-TTAAAGTTACAACTACTTTCCTGAAAGATTGACATCGAATAGTAGCACTGACCTGACTGG[C>A]AATATCAGTAGCATTCCTGGCCCTCATAAAATCCGGAGTTTCATTGGCCATGGCATTCAG-3'
Protein context (NP_001157980.2, residues 7735-7755): FMRARNATDI[Ala7745Ser]SQIKYKQSAE

ClinVar aggregate classification (germline): Uncertain significance (1 of 4 stars; one submission).

Conditions:
Nemaline myopathy 2 (NEM2). Also called: Nemaline myopathy 2, autosomal recessive. Identifiers: MedGen C1850569, MONDO:0009725, OMIM 256030.

Submission:

Labcorp Genetics (formerly Invitae), Labcorp
Classification: Uncertain significance for Nemaline myopathy 2. Last evaluated: 2019-08-23. Review status: criteria provided, single submitter. Criteria: Invitae Variant Classification Sherloc (09022015). Collection method: clinical testing. Allele origin: germline.
Comment: In summary, the available evidence is currently insufficient to determine the role of this variant in disease. Therefore, it has been classified as a Variant of Uncertain Significance. Algorithms developed to predict the effect of missense changes on protein structure and function are either unavailable or do not agree on the potential impact of this missense change (SIFT: "Deleterious"; PolyPhen-2: "Not Available"; Align-GVGD: "Class C0"). This variant has not been reported in the literature in individuals with NEB-related conditions. This variant is not present in population databases (ExAC no frequency). This sequence change replaces alanine with serine at codon 7780 of the NEB protein (p.Ala7780Ser). The alanine residue is moderately conserved and there is a moderate physicochemical difference between alanine and serine.